The following is an entry in ClinVar:

ClinVar aggregate classification (germline): Uncertain significance. Review status: criteria provided, multiple submitters, no conflicts (2 of 4 stars). 2 submissions from 2 submitters: Uncertain significance (2). Last evaluated 2024-02-20.

Conditions:
Developmental and epileptic encephalopathy, 42 (DEE42A). Also called: DEVELOPMENTAL AND EPILEPTIC ENCEPHALOPATHY 42A; EPILEPTIC ENCEPHALOPATHY, EARLY INFANTILE, 42A; Epileptic encephalopathy, early infantile, 42. Identifiers: MedGen C4310716, MONDO:0014917, OMIM 617106.
Episodic ataxia type 2 (EA2). Also called: ACETAZOLAMIDE-RESPONSIVE HEREDITARY PAROXYSMAL CEREBELLAR ATAXIA; ATAXIA, EPISODIC, WITH NYSTAGMUS; ATAXIA, FAMILIAL PAROXYSMAL; CEREBELLAR ATAXIA, PAROXYSMAL, ACETAZOLAMIDE-RESPONSIVE; CEREBELLOPATHY, HEREDITARY PAROXYSMAL; EPISODIC ATAXIA, NYSTAGMUS-ASSOCIATED. Identifiers: Orphanet 97, MedGen C1720416, MONDO:0007163, OMIM 108500.

Submissions (2):

Labcorp Genetics (formerly Invitae), Labcorp
Classification: Uncertain significance for Developmental and epileptic encephalopathy, 42; Episodic ataxia type 2. Last evaluated: 2024-02-20. Review status: criteria provided, single submitter. Criteria: Invitae Variant Classification Sherloc (09022015). Collection method: clinical testing. Allele origin: germline.
Comment: This sequence change falls in intron 42 of the CACNA1A gene. It does not directly change the encoded amino acid sequence of the CACNA1A protein. It affects a nucleotide within the consensus splice site. This variant is not present in population databases (gnomAD no frequency). This variant has not been reported in the literature in individuals affected with CACNA1A-related conditions. ClinVar contains an entry for this variant (Variation ID: 860794). Variants that disrupt the consensus splice site are a relatively common cause of aberrant splicing (PMID: 17576681, 9536098). Algorithms developed to predict the effect of sequence changes on RNA splicing suggest that this variant is not likely to affect RNA splicing. In summary, the available evidence is currently insufficient to determine the role of this variant in disease. Therefore, it has been classified as a Variant of Uncertain Significance.

Mendelics
Classification: Uncertain significance. Last evaluated: 2022-05-04. Review status: criteria provided, single submitter. Criteria: Mendelics Assertion Criteria 2019. Collection method: clinical testing. Allele origin: germline.

Literature cited by the submitters: PubMed 17576681 (cited by Labcorp Genetics (formerly Invitae), Labcorp); PubMed 9536098 (cited by Labcorp Genetics (formerly Invitae), Labcorp).

NM_001127222.2(CACNA1A):c.6189+4C>A

Gene: CACNA1A (calcium voltage-gated channel subunit alpha1 A; minus strand). Cytogenetic location: 19p13.13.
Variant type: single nucleotide variant.
Coding change: c.6189+4C>A on transcript NM_001127222.2 (MANE Select); 4 bases into the intron after coding-DNA position 6189, C replaced by A.
Molecular consequence: intron variant.
Genome position (GRCh38, 1-based): chr19:13,212,380, G>T on the plus strand (C>A on the coding strand, the complement: CACNA1A is on the minus strand). VCF-style: chr19-13212380-G-T. GRCh37 (hg19) VCF-style: chr19-13323194-G-T.
Other names: c.6192+4C>A (NM_001127221.2); c.6198+4C>A (NM_001174080.2); c.6207+4C>A (NM_000068.4, NM_023035.3).
Identifiers: ClinVar variation 860794 (VCV000860794.11), dbSNP rs2054846468, ClinGen allele CA916082447.